The following is an entry in ClinVar:

ClinVar aggregate classification (germline): Uncertain significance (1 of 4 stars; one submission).

Conditions:
KBG syndrome (KBGS). Also called: ANKRD11-Related KBG Syndrome. Identifiers: Orphanet 2332, MedGen C0220687, MONDO:0007846, OMIM 148050.

Submission:

Labcorp Genetics (formerly Invitae), Labcorp
Classification: Uncertain significance for KBG syndrome. Last evaluated: 2025-04-29. Review status: criteria provided, single submitter. Criteria: Invitae Variant Classification Sherloc (09022015). Collection method: clinical testing. Allele origin: germline.
Comment: This sequence change replaces serine, which is neutral and polar, with glycine, which is neutral and non-polar, at codon 1776 of the ANKRD11 protein (p.Ser1776Gly). This variant is not present in population databases (gnomAD no frequency). This variant has not been reported in the literature in individuals affected with ANKRD11-related conditions. Invitae Evidence Modeling of protein sequence and biophysical properties (such as structural, functional, and spatial information, amino acid conservation, physicochemical variation, residue mobility, and thermodynamic stability) indicates that this missense variant is not expected to disrupt ANKRD11 protein function with a negative predictive value of 95%. In summary, the available evidence is currently insufficient to determine the role of this variant in disease. Therefore, it has been classified as a Variant of Uncertain Significance.

NM_013275.6(ANKRD11):c.5326A>G (p.Ser1776Gly)

Gene: ANKRD11 (ankyrin repeat domain 11; minus strand). Cytogenetic location: 16q24.3.
Variant type: single nucleotide variant.
Coding change: c.5326A>G on transcript NM_013275.6 (MANE Select); coding-DNA position 5326, A replaced by G.
Protein change: p.Ser1776Gly; replaces serine 1776 with glycine.
Molecular consequence: missense variant.
Genome position (GRCh38, 1-based): chr16:89,281,216, T>C on the plus strand (A>G on the coding strand, the complement: ANKRD11 is on the minus strand). VCF-style: chr16-89281216-T-C. GRCh37 (hg19) VCF-style: chr16-89347624-T-C.
Other names: c.5326A>G, p.Ser1776Gly (NM_001256182.2, NM_001256183.2); short protein forms S1776G.
Identifiers: ClinVar variation 4802791 (VCV004802791.1).